The following is an entry in ClinVar:

NM_002471.4(MYH6):c.466T>C (p.Ser156Pro)

Genes: MYH6 (myosin heavy chain 6; minus strand), LOC114827851 (VISTA enhancer hs2155; plus strand). Cytogenetic location: 14q11.2.
Variant type: single nucleotide variant.
Coding change: c.466T>C on transcript NM_002471.4 (MANE Select); coding-DNA position 466, T replaced by C.
Protein change: p.Ser156Pro; replaces serine 156 with proline.
Molecular consequence: missense variant.
Genome position (GRCh38, 1-based): chr14:23,405,259, A>G on the plus strand (T>C on the coding strand, the complement: MYH6 is on the minus strand). VCF-style: chr14-23405259-A-G. GRCh37 (hg19) VCF-style: chr14-23874468-A-G.
Other names: short protein forms S156P.
Identifiers: ClinVar variation 3400841 (VCV003400841.1).
Genomic context (GRCh38, chr14:23,405,259, plus strand): 5'-GAGACCAGGGGCCACCAGGCTCACCTGTCAGCATGTACTGATAGGCGTTGTCGGAGATGG[A>G]GAAGATGTGGGGCGGGGCCTCACTCCTCTTCTTGCCCCGGTAGGCGGCCACCACCTCGGC-3'
Protein context (NP_002462.2, residues 146-166): KRSEAPPHIF[Ser156Pro]ISDNAYQYML

ClinVar aggregate classification (germline): Uncertain significance (1 of 4 stars; one submission).

Conditions:
Cardiovascular phenotype. Identifiers: MedGen CN230736.

Submission:

Ambry Genetics
Classification: Uncertain significance for Cardiovascular phenotype. Last evaluated: 2024-07-28. Review status: criteria provided, single submitter. Criteria: Ambry Variant Classification Scheme 2023. Collection method: clinical testing. Allele origin: germline.
Comment: The p.S156P variant (also known as c.466T>C), located in coding exon 3 of the MYH6 gene, results from a T to C substitution at nucleotide position 466. The serine at codon 156 is replaced by proline, an amino acid with similar properties. This amino acid position is conserved. In addition, this alteration is predicted to be deleterious by in silico analysis. Based on the available evidence, the clinical significance of this variant remains unclear.